The following is an entry in ClinVar:

ClinVar aggregate classification (germline): Uncertain significance (1 of 4 stars; one submission).

Conditions:
Leber congenital amaurosis 8 (LCA8). Identifiers: Orphanet 65, MedGen C3151202, MONDO:0013453, OMIM 613835.
Retinitis pigmentosa 12 (RP12). Also called: RP WITH OR WITHOUT PPRPE; RP WITH OR WITHOUT PRESERVED PARAARTERIOLE RETINAL PIGMENT EPITHELIUM; RETINITIS PIGMENTOSA WITH OR WITHOUT PARAARTERIOLAR PRESERVATION OF RETINAL PIGMENT EPITHELIUM. Identifiers: Orphanet 791, MedGen C1838647, MONDO:0010818, OMIM 600105.

Submission:

Labcorp Genetics (formerly Invitae), Labcorp
Classification: Uncertain significance for Leber congenital amaurosis 8; Retinitis pigmentosa 12. Last evaluated: 2023-12-04. Review status: criteria provided, single submitter. Criteria: Invitae Variant Classification Sherloc (09022015). Collection method: clinical testing. Allele origin: germline.
Comment: This sequence change replaces cysteine, which is neutral and slightly polar, with tyrosine, which is neutral and polar, at codon 1174 of the CRB1 protein (p.Cys1174Tyr). This variant is not present in population databases (gnomAD no frequency). This variant has not been reported in the literature in individuals affected with CRB1-related conditions. ClinVar contains an entry for this variant (Variation ID: 1046303). Advanced modeling of protein sequence and biophysical properties (such as structural, functional, and spatial information, amino acid conservation, physicochemical variation, residue mobility, and thermodynamic stability) performed at Invitae indicates that this missense variant is expected to disrupt CRB1 protein function with a positive predictive value of 95%. In summary, the available evidence is currently insufficient to determine the role of this variant in disease. Therefore, it has been classified as a Variant of Uncertain Significance.

NM_201253.3(CRB1):c.3521G>A (p.Cys1174Tyr)

Gene: CRB1 (crumbs cell polarity complex component 1; plus strand). Cytogenetic location: 1q31.3.
Variant type: single nucleotide variant.
Coding change: c.3521G>A on transcript NM_201253.3 (MANE Select); coding-DNA position 3521, G replaced by A.
Protein change: p.Cys1174Tyr; replaces cysteine 1174 with tyrosine.
Molecular consequence: missense variant. On other transcripts: non-coding transcript variant (2), intron variant (1).
Genome position (GRCh38, 1-based): chr1:197,435,384, G>A. VCF-style: chr1-197435384-G-A. GRCh37 (hg19) VCF-style: chr1-197404514-G-A.
Other names: c.3185G>A, p.Cys1062Tyr (NM_001193640.2); c.3449G>A, p.Cys1150Tyr (NM_001257965.2); c.2129-216G>A (NM_001257966.2); short protein forms C1062Y, C1150Y, C1174Y.
Identifiers: ClinVar variation 1046303 (VCV001046303.8), dbSNP rs1665102302, ClinGen allele CA344048580.